The following is an entry in ClinVar:

NM_001042432.2(CLN3):c.791-7C>A

Gene: CLN3 (CLN3 lysosomal/endosomal transmembrane protein, battenin; minus strand). Cytogenetic location: 16p12.1.
Variant type: single nucleotide variant.
Coding change: c.791-7C>A on transcript NM_001042432.2 (MANE Select); 7 bases into the intron before coding-DNA position 791, C replaced by A.
Molecular consequence: intron variant.
Genome position (GRCh38, 1-based): chr16:28,482,679, G>T on the plus strand (C>A on the coding strand, the complement: CLN3 is on the minus strand). VCF-style: chr16-28482679-G-T. GRCh37 (hg19) VCF-style: chr16-28494000-G-T.
Other names: c.557-7C>A (NM_001286109.2); c.719-7C>A (NM_001286104.2); c.491-7C>A (NM_001286105.2); c.629-7C>A (NM_001286110.2); c.791-7C>A (NM_000086.2).
Identifiers: ClinVar variation 1061163 (VCV001061163.7), dbSNP rs942972881, ClinGen allele CA279782468.

ClinVar aggregate classification (germline): Conflicting classifications of pathogenicity. Review status: criteria provided, conflicting classifications (1 of 4 stars). 2 submissions from 2 submitters: Uncertain significance (1); Likely benign (1). Last evaluated 2024-11-11.

Conditions:
Neuronal ceroid lipofuscinosis 3 (CLN3). Identifiers: Orphanet 228346, MedGen C0751383, MONDO:0008767, OMIM 204200.
Neuronal ceroid lipofuscinosis. Also called: Neuronal Ceroid Lipofuscinoses. Identifiers: Orphanet 216, Orphanet 79263, MedGen C0027877, MONDO:0016295. Disease mechanism: loss of function.

Allele frequency attached by ClinVar (database versions not stated): TOPMed below 0.00001; gnomAD 0.00001.
gnomAD v4.1: 2 of 1,614,008 alleles (0.00012%); highest among the groups gnomAD compares: African/African-American, 0.0027%; no homozygotes.

Submissions (2):

Labcorp Genetics (formerly Invitae), Labcorp
Classification: Likely benign for Neuronal ceroid lipofuscinosis. Last evaluated: 2024-11-11. Review status: criteria provided, single submitter. Criteria: Invitae Variant Classification Sherloc (09022015). Collection method: clinical testing. Allele origin: germline.

Laboratorio de Genetica e Diagnostico Molecular, Hospital Israelita Albert Einstein
Classification: Uncertain significance for Neuronal ceroid lipofuscinosis 3. Last evaluated: 2021-12-03. Review status: criteria provided, single submitter. Criteria: ACMG Guidelines, 2015. Collection method: clinical testing. Allele origin: germline. Affected: yes.
Comment: ACMG classification criteria: PM2 moderate